The following is an entry in ClinVar:

ClinVar aggregate classification (germline): Uncertain significance. Review status: criteria provided, multiple submitters, no conflicts (2 of 4 stars). 2 submissions from 2 submitters: Uncertain significance (2). Last evaluated 2021-12-08.

Submissions (2):

Labcorp Genetics (formerly Invitae), Labcorp
Classification: Uncertain significance. Last evaluated: 2021-12-08. Review status: criteria provided, single submitter. Criteria: Invitae Variant Classification Sherloc (09022015). Collection method: clinical testing. Allele origin: germline.
Comment: This sequence change falls in intron 43 of the RTTN gene. It does not directly change the encoded amino acid sequence of the RTTN protein. It affects a nucleotide within the consensus splice site. This variant is present in population databases (no rsID available, gnomAD 0.005%). This variant has not been reported in the literature in individuals affected with RTTN-related conditions. ClinVar contains an entry for this variant (Variation ID: 1188801). Variants that disrupt the consensus splice site are a relatively common cause of aberrant splicing (PMID: 17576681, 9536098). Algorithms developed to predict the effect of sequence changes on RNA splicing suggest that this variant may disrupt the consensus splice site. In summary, the available evidence is currently insufficient to determine the role of this variant in disease. Therefore, it has been classified as a Variant of Uncertain Significance.

GeneDx
Classification: Uncertain significance. Last evaluated: 2020-09-15. Review status: criteria provided, single submitter. Criteria: GeneDx Variant Classification Process June 2021. Collection method: clinical testing. Allele origin: germline. Affected: yes.
Comment: Not observed at a significant frequency in large population cohorts (Lek et al., 2016); Intronic +5 splice site variant in a gene for which loss-of-function is a known mechanism of disease; Has not been previously published as pathogenic or benign to our knowledge

Literature cited by the submitters: PubMed 17576681 (cited by Labcorp Genetics (formerly Invitae), Labcorp); PubMed 9536098 (cited by Labcorp Genetics (formerly Invitae), Labcorp).

NM_173630.4(RTTN):c.5823+5_5823+20del

Gene: RTTN (rotatin; minus strand). Cytogenetic location: 18q22.2.
Variant type: Deletion.
Coding change: c.5823+5_5823+20del on transcript NM_173630.4 (MANE Select); bases 5 to 20 of the intron after coding-DNA position 5823, 16 bases deleted (GTAGAACTACTTTTCA).
Molecular consequence: intron variant.
Genome position (GRCh38, 1-based): chr18:70,028,704-70,028,719, TGAAAAGTAGTTCTAC deleted on the plus strand (GTAGAACTACTTTTCA on the coding strand, the reverse complement: RTTN is on the minus strand); deleting any 16 consecutive bases within chr18:70,028,704-70,028,720 gives the same sequence; the c. name uses the placement nearest the transcript's 3' end. VCF-style (leftmost placement, unchanged base first): chr18-70028703-TTGAAAAGTAGTTCTAC-T. GRCh37 (hg19) VCF-style: chr18-67695939-TTGAAAAGTAGTTCTAC-T.
Other names: c.3087+5_3087+20del (NM_001318520.2).
Identifiers: ClinVar variation 1188801 (VCV001188801.4), dbSNP rs1192455464, ClinGen allele CA630597466.